The following is an entry in ClinVar:

NM_198578.4(LRRK2):c.7472C>G (p.Ser2491Cys)

Gene: LRRK2 (leucine rich repeat kinase 2; plus strand). Cytogenetic location: 12q12.
Variant type: single nucleotide variant.
Coding change: c.7472C>G on transcript NM_198578.4 (MANE Select); coding-DNA position 7472, C replaced by G.
Protein change: p.Ser2491Cys; replaces serine 2491 with cysteine.
Molecular consequence: missense variant.
Genome position (GRCh38, 1-based): chr12:40,367,653, C>G. VCF-style: chr12-40367653-C-G. GRCh37 (hg19) VCF-style: chr12-40761455-C-G.
Other names: short protein forms S2491C.
Identifiers: ClinVar variation 2489330 (VCV002489330.2), dbSNP rs1174941577, ClinGen allele CA384416020.

ClinVar aggregate classification (germline): Uncertain significance (1 of 4 stars; one submission).

Conditions:
Inborn genetic diseases. Identifiers: MedGen C0950123, MeSH D030342.

gnomAD v4.1: 5 of 1,602,802 alleles (0.00031%); highest among the groups gnomAD compares: Non-Finnish European, 0.00043%; no homozygotes.

Submission:

Ambry Genetics
Classification: Uncertain significance for Inborn genetic diseases. Last evaluated: 2023-01-27. Review status: criteria provided, single submitter. Criteria: Ambry Variant Classification Scheme 2023. Collection method: clinical testing. Allele origin: germline.
Comment: The p.S2491C variant (also known as c.7472C>G), located in coding exon 51 of the LRRK2 gene, results from a C to G substitution at nucleotide position 7472. The serine at codon 2491 is replaced by cysteine, an amino acid with dissimilar properties. This amino acid position is conserved. In addition, the in silico prediction for this alteration is inconclusive. Since supporting evidence is limited at this time, the clinical significance of this alteration remains unclear.